The following is an entry in ClinVar:

NM_004364.5(CEBPA):c.824A>G (p.Lys275Arg)

Gene: CEBPA (CCAAT enhancer binding protein alpha; minus strand). Cytogenetic location: 19q13.11.
Variant type: single nucleotide variant.
Coding change: c.824A>G on transcript NM_004364.5 (MANE Select); coding-DNA position 824, A replaced by G.
Protein change: p.Lys275Arg; replaces lysine 275 with arginine.
Molecular consequence: missense variant.
Genome position (GRCh38, 1-based): chr19:33,301,591, T>C on the plus strand (A>G on the coding strand, the complement: CEBPA is on the minus strand). VCF-style: chr19-33301591-T-C. GRCh37 (hg19) VCF-style: chr19-33792497-T-C.
Other names: c.467A>G, p.Lys156Arg (NM_001285829.2); c.929A>G, p.Lys310Arg (NM_001287424.2); c.782A>G, p.Lys261Arg (NM_001287435.2); short protein forms K156R, K310R, K261R, K275R.
Identifiers: ClinVar variation 948384 (VCV000948384.10), dbSNP rs757273086, ClinGen allele CA9363685.

ClinVar aggregate classification (germline): Uncertain significance (1 of 4 stars; one submission).

Conditions:
Acute myeloid leukemia (AML). Also called: Acute myeloid leukemia, adult; AML adult; Acute non-lymphocytic leukemia; Acute granulocytic leukemia; Leukemia, acute myelogenous, somatic; Leukemia, acute myeloid, somatic. Identifiers: Orphanet 519, MedGen C0023467, MeSH D015470, MONDO:0018874, OMIM 601626, HP:0004808. Disease mechanism: Constitutively activated FLT3.

Allele frequency attached by ClinVar (database versions not stated): gnomAD exomes below 0.00001; ExAC 0.00001.

Submission:

Labcorp Genetics (formerly Invitae), Labcorp
Classification: Uncertain significance for Acute myeloid leukemia. Last evaluated: 2019-05-23. Review status: criteria provided, single submitter. Criteria: Invitae Variant Classification Sherloc (09022015). Collection method: clinical testing. Allele origin: germline.
Comment: In summary, the available evidence is currently insufficient to determine the role of this variant in disease. Therefore, it has been classified as a Variant of Uncertain Significance. Algorithms developed to predict the effect of missense changes on protein structure and function (SIFT, PolyPhen-2, Align-GVGD) all suggest that this variant is likely to be tolerated, but these predictions have not been confirmed by published functional studies and their clinical significance is uncertain. This variant has not been reported in the literature in individuals with CEBPA-related conditions. This variant is present in population databases (rs757273086, ExAC 0.007%). This sequence change replaces lysine with arginine at codon 275 of the CEBPA protein (p.Lys275Arg). The lysine residue is highly conserved and there is a small physicochemical difference between lysine and arginine.